The following is an entry in ClinVar:

ClinVar aggregate classification (germline): Likely benign. Review status: criteria provided, multiple submitters, no conflicts (2 of 4 stars). 2 submissions from 2 submitters: Likely benign (2). Last evaluated 2024-06-01.

Allele frequency attached by ClinVar (database versions not stated): TOPMed 0.00008; gnomAD 0.00009; ExAC 0.00018; ESP Exome Variant Server 0.00019; gnomAD exomes 0.00019; 1000 Genomes Project 30x 0.00021; 1000 Genomes Project 0.00026.

Submissions (2):

CeGaT Center for Human Genetics Tuebingen
Classification: Likely benign. Last evaluated: 2024-06-01. Review status: criteria provided, single submitter. Criteria: CeGaT Center For Human Genetics Tuebingen Variant Classification Criteria Version 2. Collection method: clinical testing. Allele origin: germline. Affected: yes. Observed: 1 variant allele.
Comment: CETN2: PP2, BP4, BS2

Ambry Genetics
Classification: Likely benign. Last evaluated: 2022-06-03. Review status: criteria provided, single submitter. Criteria: Ambry Variant Classification Scheme 2023. Collection method: clinical testing. Allele origin: germline.

NM_004344.3(CETN2):c.473G>A (p.Ser158Asn)

Gene: CETN2 (centrin 2; minus strand). Cytogenetic location: Xq28.
Variant type: single nucleotide variant.
Coding change: c.473G>A on transcript NM_004344.3 (MANE Select); coding-DNA position 473, G replaced by A.
Protein change: p.Ser158Asn; replaces serine 158 with asparagine.
Molecular consequence: missense variant.
Genome position (GRCh38, 1-based): chrX:152,827,887, C>T on the plus strand (G>A on the coding strand, the complement: CETN2 is on the minus strand). VCF-style: chrX-152827887-C-T. GRCh37 (hg19) VCF-style: chrX-151996431-C-T.
Other names: short protein forms S158N.
Identifiers: ClinVar variation 2300178 (VCV002300178.20), dbSNP rs375367118, ClinGen allele CA10544572.